The following is an entry in ClinVar:

ClinVar aggregate classification (germline): Uncertain significance (1 of 4 stars; one submission).

Allele frequency attached by ClinVar (database versions not stated): gnomAD 0.00001; TOPMed 0.00001.
gnomAD v4.1: 5 of 1,614,016 alleles (0.00031%); highest among the groups gnomAD compares: African/African-American, 0.0027%; no homozygotes.

Submission:

Labcorp Genetics (formerly Invitae), Labcorp
Classification: Uncertain significance. Last evaluated: 2025-02-03. Review status: criteria provided, single submitter. Criteria: Invitae Variant Classification Sherloc (09022015). Collection method: clinical testing. Allele origin: germline.
Comment: This sequence change replaces threonine, which is neutral and polar, with isoleucine, which is neutral and non-polar, at codon 83 of the TIMMDC1 protein (p.Thr83Ile). This variant is present in population databases (no rsID available, gnomAD 0.007%). This variant has not been reported in the literature in individuals affected with TIMMDC1-related conditions. ClinVar contains an entry for this variant (Variation ID: 1920642). Invitae Evidence Modeling of protein sequence and biophysical properties (such as structural, functional, and spatial information, amino acid conservation, physicochemical variation, residue mobility, and thermodynamic stability) indicates that this missense variant is not expected to disrupt TIMMDC1 protein function with a negative predictive value of 80%. In summary, the available evidence is currently insufficient to determine the role of this variant in disease. Therefore, it has been classified as a Variant of Uncertain Significance.

NM_016589.4(TIMMDC1):c.248C>T (p.Thr83Ile)

Gene: TIMMDC1 (translocase of inner mitochondrial membrane domain containing 1; plus strand). Cytogenetic location: 3q13.33.
Variant type: single nucleotide variant.
Coding change: c.248C>T on transcript NM_016589.4 (MANE Select); coding-DNA position 248, C replaced by T.
Protein change: p.Thr83Ile; replaces threonine 83 with isoleucine.
Molecular consequence: missense variant.
Genome position (GRCh38, 1-based): chr3:119,500,748, C>T. VCF-style: chr3-119500748-C-T. GRCh37 (hg19) VCF-style: chr3-119219595-C-T.
Other names: short protein forms T83I.
Identifiers: ClinVar variation 1920642 (VCV001920642.5), dbSNP rs1271449034, ClinGen allele CA354054797.